The following is an entry in ClinVar:

NM_001365536.1(SCN9A):c.1041C>G (p.Phe347Leu)

Genes: SCN9A (sodium voltage-gated channel alpha subunit 9; minus strand), SCN1A-AS1 (SCN1A and SCN9A antisense RNA 1; plus strand). Cytogenetic location: 2q24.3.
Variant type: single nucleotide variant.
Coding change: c.1041C>G on transcript NM_001365536.1 (MANE Select); coding-DNA position 1041, C replaced by G.
Protein change: p.Phe347Leu; replaces phenylalanine 347 with leucine.
Molecular consequence: missense variant.
Genome position (GRCh38, 1-based): chr2:166,293,297, G>C on the plus strand (C>G on the coding strand, the complement: SCN9A is on the minus strand). VCF-style: chr2-166293297-G-C. GRCh37 (hg19) VCF-style: chr2-167149807-G-C.
Other names: c.1041C>G, p.Phe347Leu (NM_002977.4); short protein forms F347L.
Identifiers: ClinVar variation 2117227 (VCV002117227.4), dbSNP rs1698158473, ClinGen allele CA349089066.
Genomic context (GRCh38, chr2:166,293,297, plus strand): 5'-GTAAAGGTTTTCCCAGTAATCTTGGGTCATTAGCCTAAACAAGGCTAAGAAGGCCCAGCT[G>C]AAAGTGTCAAAGCTCGTGTAGCCATAATCAGGGTTTCTGCCAATTTTCACACAGGTGTAC-3'
Protein context (NP_001352465.1, residues 337-357): PDYGYTSFDT[Phe347Leu]SWAFLALFRL

ClinVar aggregate classification (germline): Uncertain significance (1 of 4 stars; one submission).

Conditions:
Neuropathy, hereditary sensory and autonomic, type 2A (HSAN2A). Also called: MORVAN DISEASE; NEUROPATHY, CONGENITAL SENSORY; NEUROPATHY, HEREDITARY SENSORY RADICULAR, AUTOSOMAL RECESSIVE; NEUROPATHY, HEREDITARY SENSORY, TYPE IIA; NEUROPATHY, PROGRESSIVE SENSORY, OF CHILDREN; HSAN IIA. Identifiers: Orphanet 970, MedGen C2752089, MONDO:0024309, OMIM 201300.
Generalized epilepsy with febrile seizures plus, type 7 (GEFSP7). Also called: GEFS+, TYPE 7. Identifiers: Orphanet 36387, MedGen C2751778, MONDO:0013470, OMIM 613863.

Allele frequency attached by ClinVar (database versions not stated): TOPMed 0.00001.

Submission:

Labcorp Genetics (formerly Invitae), Labcorp
Classification: Uncertain significance for Neuropathy, hereditary sensory and autonomic, type 2A; Generalized epilepsy with febrile seizures plus, type 7. Last evaluated: 2022-10-02. Review status: criteria provided, single submitter. Criteria: Invitae Variant Classification Sherloc (09022015). Collection method: clinical testing. Allele origin: germline.
Comment: In summary, the available evidence is currently insufficient to determine the role of this variant in disease. Therefore, it has been classified as a Variant of Uncertain Significance. Advanced modeling of protein sequence and biophysical properties (such as structural, functional, and spatial information, amino acid conservation, physicochemical variation, residue mobility, and thermodynamic stability) has been performed at Invitae for this missense variant, however the output from this modeling did not meet the statistical confidence thresholds required to predict the impact of this variant on SCN9A protein function. This variant has not been reported in the literature in individuals affected with SCN9A-related conditions. This variant is not present in population databases (gnomAD no frequency). This sequence change replaces phenylalanine, which is neutral and non-polar, with leucine, which is neutral and non-polar, at codon 347 of the SCN9A protein (p.Phe347Leu).